The following is an entry in ClinVar:

ClinVar aggregate classification (germline): Uncertain significance (1 of 4 stars; one submission).

Conditions:
Hereditary cancer-predisposing syndrome. Also called: Neoplastic Syndromes, Hereditary; Tumor predisposition; Hereditary Cancer Syndrome; Hereditary neoplastic syndrome. Identifiers: Orphanet 140162, MedGen C0027672, MeSH D009386, MONDO:0015356.

gnomAD v4.1: 2 of 1,614,132 alleles (0.00012%); no homozygotes.

Submission:

Ambry Genetics
Classification: Uncertain significance for Hereditary cancer-predisposing syndrome. Last evaluated: 2026-04-13. Review status: criteria provided, single submitter. Criteria: Ambry Variant Classification Scheme 2023. Collection method: clinical testing. Allele origin: germline.
Comment: The p.P121T variant (also known as c.361C>A), located in coding exon 2 of the TMEM127 gene, results from a C to A substitution at nucleotide position 361. The proline at codon 121 is replaced by threonine, an amino acid with highly similar properties. This amino acid position is conserved. In addition, this alteration is predicted to be deleterious by in silico analysis. Based on the available evidence, the clinical significance of this variant remains unclear.

NM_017849.4(TMEM127):c.361C>A (p.Pro121Thr)

Gene: TMEM127 (transmembrane protein 127; minus strand). Cytogenetic location: 2q11.2.
Variant type: single nucleotide variant.
Coding change: c.361C>A on transcript NM_017849.4 (MANE Select); coding-DNA position 361, C replaced by A.
Protein change: p.Pro121Thr; replaces proline 121 with threonine.
Molecular consequence: missense variant.
Genome position (GRCh38, 1-based): chr2:96,254,881, G>T on the plus strand (C>A on the coding strand, the complement: TMEM127 is on the minus strand). VCF-style: chr2-96254881-G-T. GRCh37 (hg19) VCF-style: chr2-96920619-G-T.
Other names: c.361C>A, p.Pro121Thr (NM_001193304.3); c.109C>A, p.Pro37Thr (NM_001407282.1, NM_001407283.1); short protein forms P121T, P37T.
Identifiers: ClinVar variation 4865713 (VCV004865713.1).